The following is an entry in ClinVar:

NM_000093.5(COL5A1):c.9C>A (p.Val3=)

Gene: COL5A1 (collagen type V alpha 1 chain; plus strand). Cytogenetic location: 9q34.3.
Variant type: single nucleotide variant.
Coding change: c.9C>A on transcript NM_000093.5 (MANE Select); coding-DNA position 9, C replaced by A.
Protein change: p.Val3=; no amino-acid change (valine 3 retained).
Molecular consequence: synonymous variant.
Genome position (GRCh38, 1-based): chr9:134,642,196, C>A. VCF-style: chr9-134642196-C-A. GRCh37 (hg19) VCF-style: chr9-137534042-C-A.
Other names: c.9C>A, p.Val3= (NM_001278074.1).
Identifiers: ClinVar variation 513316 (VCV000513316.1), dbSNP rs1554772559, ClinGen allele CA467652584.

ClinVar aggregate classification (germline): Likely benign (1 of 4 stars; one submission).

Submission:

GeneDx
Classification: Likely benign. Last evaluated: 2017-11-13. Review status: criteria provided, single submitter. Criteria: GeneDx Variant Classification (06012015). Collection method: clinical testing. Allele origin: germline. Affected: yes.
Comment: This variant is considered likely benign or benign based on one or more of the following criteria: it is a conservative change, it occurs at a poorly conserved position in the protein, it is predicted to be benign by multiple in silico algorithms, and/or has population frequency not consistent with disease.